The following is an entry in ClinVar:

NM_152309.3(PIK3AP1):c.2135G>A (p.Gly712Glu)

Gene: PIK3AP1 (phosphoinositide-3-kinase adaptor protein 1; minus strand). Cytogenetic location: 10q24.1.
Variant type: single nucleotide variant.
Coding change: c.2135G>A on transcript NM_152309.3 (MANE Select); coding-DNA position 2135, G replaced by A.
Protein change: p.Gly712Glu; replaces glycine 712 with glutamic acid.
Molecular consequence: missense variant.
Genome position (GRCh38, 1-based): chr10:96,609,747, C>T on the plus strand (G>A on the coding strand, the complement: PIK3AP1 is on the minus strand). VCF-style: chr10-96609747-C-T. GRCh37 (hg19) VCF-style: chr10-98369504-C-T.
Other names: short protein forms G712E.
Identifiers: ClinVar variation 1046300 (VCV001046300.8), dbSNP rs1849071480, ClinGen allele CA377752125.

ClinVar aggregate classification (germline): Uncertain significance (1 of 4 stars; one submission).

Conditions:
Infantile spasms. Also called: Infantile spasm. Identifiers: MedGen C3887898, HP:0012469.

Allele frequency attached by ClinVar (database versions not stated): gnomAD exomes below 0.00001.
gnomAD v4.1: 1 of 1,614,102 alleles (0.000062%); highest among the groups gnomAD compares: South Asian, 0.0011%; no homozygotes.

Submission:

Labcorp Genetics (formerly Invitae), Labcorp
Classification: Uncertain significance for Infantile spasms. Last evaluated: 2020-08-16. Review status: criteria provided, single submitter. Criteria: Invitae Variant Classification Sherloc (09022015). Collection method: clinical testing. Allele origin: germline.
Comment: In summary, the available evidence is currently insufficient to determine the role of this variant in disease. Therefore, it has been classified as a Variant of Uncertain Significance. Algorithms developed to predict the effect of missense changes on protein structure and function are either unavailable or do not agree on the potential impact of this missense change (SIFT: "Tolerated"; PolyPhen-2: "Probably Damaging"; Align-GVGD: "Class C0"). This variant has not been reported in the literature in individuals with PIK3AP1-related conditions. This variant is not present in population databases (ExAC no frequency). This sequence change replaces glycine with glutamic acid at codon 712 of the PIK3AP1 protein (p.Gly712Glu). The glycine residue is highly conserved and there is a moderate physicochemical difference between glycine and glutamic acid.